The following is an entry in ClinVar:

NM_000277.3(PAH):c.1204T>C (p.Phe402Leu)

Gene: PAH (phenylalanine hydroxylase; minus strand). Cytogenetic location: 12q23.2.
Variant type: single nucleotide variant.
Coding change: c.1204T>C on transcript NM_000277.3 (MANE Select); coding-DNA position 1204, T replaced by C.
Protein change: p.Phe402Leu; replaces phenylalanine 402 with leucine.
Molecular consequence: missense variant.
Genome position (GRCh38, 1-based): chr12:102,840,511, A>G on the plus strand (T>C on the coding strand, the complement: PAH is on the minus strand). VCF-style: chr12-102840511-A-G. GRCh37 (hg19) VCF-style: chr12-103234289-A-G.
Other names: NM_000277.3(PAH):c.1204T>C; p.Phe402Leu; c.1204T>C, p.Phe402Leu (NM_001354304.2); short protein forms F402L.
Identifiers: ClinVar variation 102566 (VCV000102566.3), dbSNP rs62508725, ClinGen allele CA229396.

ClinVar aggregate classification (germline): Likely pathogenic. Review status: reviewed by expert panel (3 of 4 stars). 2 submissions from 2 submitters: Likely pathogenic (1). 1 of the submissions does not count toward it. Last evaluated 2024-11-17.

Conditions:
Phenylketonuria (PKU). Also called: Phenylketonuria (PKU); FOLLING DISEASE; OLIGOPHRENIA PHENYLPYRUVICA; Phenylketonurias. Identifiers: Orphanet 716, MedGen C0031485, MONDO:0009861, OMIM 261600. Disease mechanism: loss of function.

Submissions (2):

ClinGen PAH Variant Curation Expert Panel
Classification: Likely pathogenic for Phenylketonuria. Last evaluated: 2024-11-17. Review status: reviewed by expert panel. Criteria: ClinGen PAH ACMG Specifications v1. Collection method: curation. Allele origin: germline. Inheritance: Autosomal recessive inheritance.
Comment: This variant was detected with c.1169A>G (p.Glu390Gly) in this patient, reported as Pathogenic in ClinVar, VarID: 625, phase unknown (PMID: 12655552), and has also been reported in unknown phase with the pathogenic p.Arg408Gln variant (ClinVar ID: 577) in another individual with PAH deficiency (PMID: 32668217) (1pt total, PM3). This variant is absent from population databases (PM2_Supporting), and is predicted damaging by REVEL (REVEL score 0.918, PP3_Moderate). In summary, this variant meets criteria to be classified as likely pathogenic for phenylketonuria in an autosomal recessive manner based on the ACMG/AMP criteria applied as specified by the PAH Expert Panel: PM2_Supporting, PM3, PP3_Moderate, PP4.

DeBelle Laboratory for Biochemical Genetics, MUHC/MCH RESEARCH INSTITUTE
No classification provided. Review status: no classification provided. Collection method: not provided. Allele origin: not provided. Not counted in ClinVar's aggregate classification.